The following is an entry in ClinVar:

ClinVar aggregate classification (germline): Uncertain significance (1 of 4 stars; one submission).

Submission:

Dasa
Classification: Uncertain significance. Last evaluated: 2025-06-23. Review status: criteria provided, single submitter. Criteria: DASA Assertion Criteria. Collection method: clinical testing. Allele origin: germline.
Comment: NM_018319.4(TDP1):c.502del (p.Leu168Serfs*45) is a frameshift variant in TDP1 predicted to alter the reading frame and introduce a premature termination codon. This variant is rare in population databases. The currently available literature and clinical evidence are not sufficient to establish a definitive association between this variant and the reported condition. Therefore, this variant is classified as a variant of uncertain significance.

NM_018319.4(TDP1):c.502del (p.Leu168fs)

Genes: TDP1 (tyrosyl-DNA phosphodiesterase 1; plus strand), LOC126862019 (CDK7 strongly-dependent group 2 enhancer GRCh37_chr14:90429220-90430419; plus strand). Cytogenetic location: 14q32.11.
Variant type: Deletion.
Coding change: c.502del on transcript NM_018319.4 (MANE Select); coding-DNA position 502, one base deleted (C; older notation c.502delC).
Protein change: p.Leu168fs; shifts the reading frame from leucine 168.
Molecular consequence: frameshift variant.
Genome position (GRCh38, 1-based): chr14:89,963,616, C deleted; the last of 2 consecutive C bases (chr14:89,963,615-89,963,616); deleting either gives the same sequence. VCF-style (leftmost placement, unchanged base first): chr14-89963614-AC-A. GRCh37 (hg19) VCF-style: chr14-90429958-AC-A.
Other names: c.502del, p.Leu168fs (NM_001008744.2, NM_001330205.2); short protein forms L168fs.
Identifiers: ClinVar variation 4886282 (VCV004886282.2).